The following is an entry in ClinVar:

ClinVar aggregate classification (germline): Conflicting classifications of pathogenicity. Review status: criteria provided, conflicting classifications (1 of 4 stars). 6 submissions from 2 submitters: Uncertain significance (2); Benign (1); Likely benign (3). Last evaluated 2024-11-03.

Conditions:
Hypokalemic periodic paralysis, type 2 (HOKPP2). Identifiers: Orphanet 681, MedGen C2750061, MONDO:0013234, OMIM 613345.
Potassium-aggravated myotonia. Also called: MYOTONIA CONGENITA, ACETAZOLAMIDE-RESPONSIVE; MYOTONIA CONGENITA, ATYPICAL; SODIUM CHANNEL MUSCLE DISEASE; Myotonia congenita, atypical, acetazolamide-responsive. Identifiers: Orphanet 612, Orphanet 99734, Orphanet 99735, Orphanet 99736, MedGen C2931826, MONDO:0018959, OMIM 608390.
Congenital myasthenic syndrome 16. Identifiers: Orphanet 590, MedGen C3280112, MONDO:0013620, OMIM 614198.
Paramyotonia congenita of Von Eulenburg. Also called: PARALYSIS PERIODICA PARAMYOTONICA; Paramyotonia Congenita; Eulenburg disease; Myotonia congenita intermittens; Von Eulenburg paramyotonia congenita. Identifiers: Orphanet 684, MedGen C0221055, MONDO:0008195, OMIM 168300. Disease mechanism: loss of function.
Hyperkalemic periodic paralysis. Also called: Familial hyperkalemic periodic paralysis; Gamstorp disease. Identifiers: Orphanet 682, MedGen C0238357, MONDO:0008224, OMIM 170500, HP:0007215.

Allele frequency attached by ClinVar (database versions not stated): ExAC 0.00005; gnomAD exomes 0.00003 and 0.00002; gnomAD 0.00001; TOPMed 0.00001.
gnomAD v4.1: 31 of 1,613,912 alleles (0.0019%); highest among the groups gnomAD compares: African/African-American, 0.0027%; no homozygotes.

Submissions (6):

Labcorp Genetics (formerly Invitae), Labcorp
Classification: Uncertain significance for Hyperkalemic periodic paralysis. Last evaluated: 2024-11-03. Review status: criteria provided, single submitter. Criteria: Invitae Variant Classification Sherloc (09022015). Collection method: clinical testing. Allele origin: germline.
Comment: This sequence change replaces alanine, which is neutral and non-polar, with threonine, which is neutral and polar, at codon 1595 of the SCN4A protein (p.Ala1595Thr). This variant is present in population databases (rs761947899, gnomAD 0.006%). This variant has not been reported in the literature in individuals affected with SCN4A-related conditions. ClinVar contains an entry for this variant (Variation ID: 646815). Invitae Evidence Modeling of protein sequence and biophysical properties (such as structural, functional, and spatial information, amino acid conservation, physicochemical variation, residue mobility, and thermodynamic stability) indicates that this missense variant is expected to disrupt SCN4A protein function with a positive predictive value of 80%. In summary, the available evidence is currently insufficient to determine the role of this variant in disease. Therefore, it has been classified as a Variant of Uncertain Significance.

Illumina Laboratory Services, Illumina
Classification: Likely benign for Hyperkalemic periodic paralysis. Last evaluated: 2018-01-13. Review status: criteria provided, single submitter. Criteria: ICSL Variant Classification Criteria 13 December 2019. Collection method: clinical testing. Allele origin: germline.
Comment: This variant was observed in the ICSL laboratory as part of a predisposition screen in an ostensibly healthy population. It had not been previously curated by ICSL or reported in the Human Gene Mutation Database (HGMD: prior to June 1st, 2018), and was therefore a candidate for classification through an automated scoring system. Utilizing variant allele frequency, disease prevalence and penetrance estimates, and inheritance mode, an automated score was calculated to assess if this variant is too frequent to cause the disease. Based on the score and internal cut-off values, a variant classified as likely benign is not then subjected to further curation. The score for this variant resulted in a classification of likely benign for this disease.

Illumina Laboratory Services, Illumina
Classification: Likely benign for Hypokalemic periodic paralysis, type 2. Last evaluated: 2018-01-13. Review status: criteria provided, single submitter. Criteria: ICSL Variant Classification Criteria 13 December 2019. Collection method: clinical testing. Allele origin: germline.
Comment: the same text as in the submission from Illumina Laboratory Services, Illumina above.

Illumina Laboratory Services, Illumina
Classification: Uncertain significance for Congenital myasthenic syndrome 16. Last evaluated: 2018-01-13. Review status: criteria provided, single submitter. Criteria: ICSL Variant Classification Criteria 13 December 2019. Collection method: clinical testing. Allele origin: germline.

Illumina Laboratory Services, Illumina
Classification: Benign for Potassium-aggravated myotonia. Last evaluated: 2018-01-13. Review status: criteria provided, single submitter. Criteria: ICSL Variant Classification Criteria 13 December 2019. Collection method: clinical testing. Allele origin: germline.
Comment: This variant was observed in the ICSL laboratory as part of a predisposition screen in an ostensibly healthy population. It had not been previously curated by ICSL or reported in the Human Gene Mutation Database (HGMD: prior to June 1st, 2018), and was therefore a candidate for classification through an automated scoring system. Utilizing variant allele frequency, disease prevalence and penetrance estimates, and inheritance mode, an automated score was calculated to assess if this variant is too frequent to cause the disease. Based on the score and internal cut-off values, a variant classified as benign is not then subjected to further curation. The score for this variant resulted in a classification of benign for this disease.

Illumina Laboratory Services, Illumina
Classification: Likely benign for Paramyotonia congenita of Von Eulenburg. Last evaluated: 2018-01-13. Review status: criteria provided, single submitter. Criteria: ICSL Variant Classification Criteria 13 December 2019. Collection method: clinical testing. Allele origin: germline.
Comment: the same text as in the submission from Illumina Laboratory Services, Illumina above.

NM_000334.4(SCN4A):c.4783G>A (p.Ala1595Thr)

Genes: GH-LCR (growth hormone locus control region; plus strand), SCN4A (sodium voltage-gated channel alpha subunit 4; minus strand). Cytogenetic location: 17q23.3.
Variant type: single nucleotide variant.
Coding change: c.4783G>A on transcript NM_000334.4 (MANE Select); coding-DNA position 4783, G replaced by A.
Protein change: p.Ala1595Thr; replaces alanine 1595 with threonine.
Molecular consequence: missense variant.
Genome position (GRCh38, 1-based): chr17:63,941,499, C>T on the plus strand (G>A on the coding strand, the complement: SCN4A is on the minus strand). VCF-style: chr17-63941499-C-T. GRCh37 (hg19) VCF-style: chr17-62018859-C-T.
Other names: short protein forms A1595T.
Identifiers: ClinVar variation 646815 (VCV000646815.13), dbSNP rs761947899, ClinGen allele CA8708901.